The following is an entry in ClinVar:

ClinVar aggregate classification (germline): Uncertain significance (1 of 4 stars; one submission).

Conditions:
Progressive myoclonic epilepsy type 9. Identifiers: Orphanet 457265, MedGen C4225289, MONDO:0014685, OMIM 616540.
Lipodystrophy, partial, acquired, susceptibility to (APLD). Also called: APLD, SUSCEPTIBILITY TO. Identifiers: MedGen C3887501, MONDO:0100476, OMIM 608709.

Submission:

Labcorp Genetics (formerly Invitae), Labcorp
Classification: Uncertain significance for Progressive myoclonic epilepsy type 9; Lipodystrophy, partial, acquired, susceptibility to. Last evaluated: 2020-03-14. Review status: criteria provided, single submitter. Criteria: Invitae Variant Classification Sherloc (09022015). Collection method: clinical testing. Allele origin: germline.
Comment: In summary, the available evidence is currently insufficient to determine the role of this variant in disease. Therefore, it has been classified as a Variant of Uncertain Significance. The current clinical and genetic evidence is not sufficient to establish whether loss-of-function variants in LMNB2 cause disease. Algorithms developed to predict the effect of sequence changes on RNA splicing suggest that this variant may disrupt the consensus splice site, but this prediction has not been confirmed by published transcriptional studies. This variant has not been reported in the literature in individuals with LMNB2-related conditions. This variant is not present in population databases (ExAC no frequency). This sequence change affects a donor splice site in intron 4 of the LMNB2 gene. It is expected to disrupt RNA splicing and likely results in an absent or disrupted protein product.

NM_032737.4(LMNB2):c.684+1G>A

Gene: LMNB2 (lamin B2; minus strand). Cytogenetic location: 19p13.3.
Variant type: single nucleotide variant.
Coding change: c.684+1G>A on transcript NM_032737.4 (MANE Select); the canonical splice donor site of the intron after coding-DNA position 684, G replaced by A.
Molecular consequence: splice donor variant.
Genome position (GRCh38, 1-based): chr19:2,438,162, C>T on the plus strand (G>A on the coding strand, the complement: LMNB2 is on the minus strand). VCF-style: chr19-2438162-C-T. GRCh37 (hg19) VCF-style: chr19-2438160-C-T.
Identifiers: ClinVar variation 1058422 (VCV001058422.7), dbSNP rs2145454060, ClinGen allele CA403256946.